The following is an entry in ClinVar:

ClinVar aggregate classification (germline): Pathogenic (1 of 4 stars; one submission).

Conditions:
Autosomal dominant polycystic kidney disease. Identifiers: Orphanet 730, MedGen C0085413, MONDO:0004691.

Submission:

Genetic and Prenatal Diagnosis Center, Fourth Affiliated Hospital of Jiangsu University
Classification: Pathogenic for Autosomal dominant Polycystic kidney disease. Last evaluated: 2025-01-01. Review status: criteria provided, single submitter. Criteria: ACMG Guidelines, 2015. Collection method: clinical testing. Allele origin: maternal. Inheritance: Autosomal dominant inheritance. Affected: yes. Observed: 1 heterozygote.
Comment: This variant p. Thr1918Glyfs*78 (c. 5733_5751dup) has not been reported in the general population as indicated in the ESP6500, EXAC browser, 1000 Genome Project, GnomAD, described in disease databases such as HGMD, ClinVar, or Mayo ADPKD variant Database (PM2). This variant may cause the 1918th amino acid to change from threonine to glycine, leading to the early termination of protein translation. The affected individuals co-segregated with typical ADPKD phenotype in this family (PP1). In summary, the novel variant c. 5733_5751dup in PKD1 was categorized as “pathogenic” (PVS1+PP4+PM2+PP1) according to the American College of Medical Genetics and Genomics (ACMG) criteria(DOI: 10.1038/gim.2015.30).

NM_001009944.3(PKD1):c.5733_5751dup (p.Thr1918fs)

Gene: PKD1 (polycystin 1, transient receptor potential channel interacting; minus strand). Cytogenetic location: 16p13.3.
Variant type: Duplication.
Coding change: c.5733_5751dup on transcript NM_001009944.3 (MANE Select); coding-DNA positions 5733 to 5751, 19 bases duplicated (GGCTGCCGGCTCAGCTGTC).
Protein change: p.Thr1918fs; shifts the reading frame from threonine 1918.
Molecular consequence: frameshift variant.
Genome position (GRCh38, 1-based): chr16:2,109,416-2,109,434, GACAGCTGAGCCGGCAGCC duplicated on the plus strand (GGCTGCCGGCTCAGCTGTC on the coding strand, the reverse complement: PKD1 is on the minus strand). VCF-style (leftmost placement, unchanged base first): chr16-2109415-T-TGACAGCTGAGCCGGCAGCC. GRCh37 (hg19) VCF-style: chr16-2159416-T-TGACAGCTGAGCCGGCAGCC.
Other names: c.5733_5751dupGGCTGCCGGCTCAGCTGTC (NM_001009944.2); c.5733_5751dup, p.Thr1918fs (NM_000296.4); short protein forms T1918fs.
Identifiers: ClinVar variation 4087743 (VCV004087743.1).
Genomic context (GRCh38, chr16:2,109,415, plus strand): 5'-GGGAGAAACGGGGCCCGGGGAGCACCTCGGGGTTGGCCCCGCCGACCTGCAGGCGGAAGG[T>TGACAGCTGAGCCGGCAGCC]GACAGCTGAGCCGGCAGCCAGCAGGATCTGAAAATGGACCAGCTGCCCGGGCGCCACCAC-3'